The following is an entry in ClinVar:

NM_006648.4(WNK2):c.5092G>A (p.Glu1698Lys)

Gene: WNK2 (WNK lysine deficient protein kinase 2; plus strand). Cytogenetic location: 9q22.31.
Variant type: single nucleotide variant.
Coding change: c.5092G>A on transcript NM_006648.4 (MANE Select); coding-DNA position 5092, G replaced by A.
Protein change: p.Glu1698Lys; replaces glutamic acid 1698 with lysine.
Molecular consequence: missense variant.
Genome position (GRCh38, 1-based): chr9:93,292,557, G>A. VCF-style: chr9-93292557-G-A. GRCh37 (hg19) VCF-style: chr9-96054839-G-A.
Other names: c.5203G>A, p.Glu1735Lys (NM_001282394.3); short protein forms E1735K, E1698K.
Identifiers: ClinVar variation 3470142 (VCV003470142.1).

ClinVar aggregate classification (germline): Uncertain significance (1 of 4 stars; one submission).

gnomAD v4.1: 5 of 1,570,940 alleles (0.00032%); highest among the groups gnomAD compares: Non-Finnish European, 0.00043%; no homozygotes.

Submission:

Ambry Genetics
Classification: Uncertain significance. Last evaluated: 2024-11-17. Review status: criteria provided, single submitter. Criteria: Ambry Variant Classification Scheme 2023. Collection method: clinical testing. Allele origin: germline.
Comment: The p.E1698K variant (also known as c.5092G>A), located in coding exon 22 of the WNK2 gene, results from a G to A substitution at nucleotide position 5092. The glutamic acid at codon 1698 is replaced by lysine, an amino acid with similar properties. This amino acid position is conserved. In addition, this alteration is predicted to be tolerated by in silico analysis. Based on the available evidence, the clinical significance of this variant remains unclear.